The following is an entry in ClinVar:

NM_001164508.2(NEB):c.4576_4580delinsTTT (p.Ile1526fs)

Gene: NEB (nebulin; minus strand). Cytogenetic location: 2q23.3.
Variant type: Indel.
Coding change: c.4576_4580delinsTTT on transcript NM_001164508.2 (MANE Select); coding-DNA positions 4576 to 4580, ATTCA replaced by TTT.
Protein change: p.Ile1526fs; shifts the reading frame from isoleucine 1526.
Molecular consequence: frameshift variant.
Genome position (GRCh38, 1-based): chr2:151,669,058-151,669,062, TGAAT replaced by AAA on the plus strand (ATTCA replaced by TTT on the coding strand, the reverse complement: NEB is on the minus strand). VCF-style: chr2-151669058-TGAAT-AAA. GRCh37 (hg19) VCF-style: chr2-152525572-TGAAT-AAA.
Other names: c.4576_4580delinsTTT, p.Ile1526fs (NM_001164507.2, NM_001271208.2, NM_004543.5); short protein forms I1526fs.
Identifiers: ClinVar variation 1724496 (VCV001724496.2), dbSNP rs2552259318, ClinGen allele CA2580064020.
Genomic context (GRCh38, chr2:151,669,058, plus strand): 5'-GCAATATTAGCACTGGGCCAAATACTCACATCACTCATGTTGAGGGCGTTGACTTTGGCT[TGAAT>AAA]AAACTGAGGCAATTCAGGGTCAATAGTATACTTGTGCTTCAGTTTCTCTCCCTCTACCTT-3'

ClinVar aggregate classification (germline): Likely pathogenic (1 of 4 stars; one submission).

Conditions:
Nemaline myopathy 2 (NEM2). Also called: Nemaline myopathy 2, autosomal recessive. Identifiers: MedGen C1850569, MONDO:0009725, OMIM 256030.

Submission:

Myriad Genetics, Inc.
Classification: Likely pathogenic for Nemaline myopathy 2. Last evaluated: 2022-02-17. Review status: criteria provided, single submitter. Criteria: Myriad Women's Health Autosomal Recessive and X-Linked Classification Criteria (2021). Collection method: clinical testing. Allele origin: unknown.
Comment: NM_001271208.1(NEB):c.4576_4580del5ins3(I1526Ffs*11) is expected to be pathogenic in the context of NEB-related nemaline myopathy. This variant is predicted to lead to an abnormal or absent protein product due to the creation of a premature termination codon in NEB, a gene where loss-of-function variants are known to be pathogenic. Please note: this variant was assessed in the context of healthy population screening.